The following is an entry in ClinVar:

NM_001034853.2(RPGR):c.2693A>G (p.Glu898Gly)

Gene: RPGR (retinitis pigmentosa GTPase regulator; minus strand). Cytogenetic location: Xp11.4.
Variant type: single nucleotide variant.
Coding change: c.2693A>G on transcript NM_001034853.2 (MANE Select); coding-DNA position 2693, A replaced by G.
Protein change: p.Glu898Gly; replaces glutamic acid 898 with glycine.
Molecular consequence: missense variant. On other transcripts: intron variant (8).
Genome position (GRCh38, 1-based): chrX:38,286,306, T>C on the plus strand (A>G on the coding strand, the complement: RPGR is on the minus strand). VCF-style: chrX-38286306-T-C. GRCh37 (hg19) VCF-style: chrX-38145559-T-C.
Other names: c.1569+4653A>G (NM_001367249.1, NM_001367250.1); c.1902+788A>G (NM_001367245.1); c.1386+4653A>G (NM_001367251.1); c.1719+788A>G (NM_001367246.1); c.1572+4653A>G (NM_001367247.1); c.1905+788A>G (NM_000328.3); c.1602+4653A>G (NM_001367248.1); short protein forms E898G.
Identifiers: ClinVar variation 2181355 (VCV002181355.4), dbSNP rs2519787902, ClinGen allele CA412730011.

ClinVar aggregate classification (germline): Uncertain significance (1 of 4 stars; one submission).

Conditions:
Primary ciliary dyskinesia. Also called: Ciliary dyskinesia. Identifiers: Orphanet 244, MedGen C0008780, MONDO:0016575, HP:0012265.

Submission:

Labcorp Genetics (formerly Invitae), Labcorp
Classification: Uncertain significance for Primary ciliary dyskinesia. Last evaluated: 2021-12-27. Review status: criteria provided, single submitter. Criteria: Invitae Variant Classification Sherloc (09022015). Collection method: clinical testing. Allele origin: germline.
Comment: This sequence change replaces glutamic acid, which is acidic and polar, with glycine, which is neutral and non-polar, at codon 898 of the RPGR (ORF15) protein (p.Glu898Gly). This variant is not present in population databases (gnomAD no frequency). This variant has not been reported in the literature in individuals affected with RPGR (ORF15)-related conditions. Algorithms developed to predict the effect of missense changes on protein structure and function output the following: SIFT: "Not Available"; PolyPhen-2: "Not Available"; Align-GVGD: "Not Available". The glycine amino acid residue is found in multiple mammalian species, which suggests that this missense change does not adversely affect protein function. In summary, the available evidence is currently insufficient to determine the role of this variant in disease. Therefore, it has been classified as a Variant of Uncertain Significance.